The following is an entry in ClinVar:

ClinVar aggregate classification (germline): Uncertain significance. Review status: criteria provided, multiple submitters, no conflicts (2 of 4 stars). 2 submissions from 2 submitters: Uncertain significance (2). Last evaluated 2024-10-30.

Conditions:
Combined oxidative phosphorylation defect type 27. Also called: Combined oxidative phosphorylation deficiency 27. Identifiers: Orphanet 477774, MedGen C5567608, MONDO:0014728, OMIM 616672.

Allele frequency attached by ClinVar (database versions not stated): gnomAD 0.00001; TOPMed 0.00001.

Submissions (2):

Labcorp Genetics (formerly Invitae), Labcorp
Classification: Uncertain significance for Combined oxidative phosphorylation defect type 27. Last evaluated: 2024-10-30. Review status: criteria provided, single submitter. Criteria: Invitae Variant Classification Sherloc (09022015). Collection method: clinical testing. Allele origin: germline.
Comment: This sequence change affects the initiator methionine of the CARS2 mRNA. The next in-frame methionine is located at codon 114. This variant is not present in population databases (gnomAD no frequency). This variant has not been reported in the literature in individuals affected with CARS2-related conditions. ClinVar contains an entry for this variant (Variation ID: 854861). In summary, the available evidence is currently insufficient to determine the role of this variant in disease. Therefore, it has been classified as a Variant of Uncertain Significance.

Women's Health and Genetics/Laboratory Corporation of America, LabCorp
Classification: Uncertain significance. Last evaluated: 2024-04-19. Review status: criteria provided, single submitter. Criteria: LabCorp Variant Classification Summary - May 2015. Collection method: clinical testing. Allele origin: germline.
Comment: Variant summary: CARS2 c.2T>G (p.Met1Arg) alters the initiation codon and is predicted to result either in absence of the protein or truncation of the encoded protein due to translation initiation at a downstream codon. The next downstream in frame methionine is located at p.Met114. Two of three in-silico tools predict a damaging effect of the variant on protein function. The frequency data for this variant in gnomAD is considered unreliable, as metrics indicate poor data quality at this position. To our knowledge, no occurrence of c.2T>G in individuals affected with Combined Oxidative Phosphorylation Defect Type 27 and no experimental evidence demonstrating its impact on protein function have been reported. ClinVar contains an entry for this variant (Variation ID: 854861). Based on the evidence outlined above, the variant was classified as uncertain significance.

NM_024537.4(CARS2):c.2T>G (p.Met1Arg)

Genes: CARS2 (cysteinyl-tRNA synthetase 2, mitochondrial; minus strand), LOC130010127 (ATAC-STARR-seq lymphoblastoid silent region 5509; plus strand). Cytogenetic location: 13q34.
Variant type: single nucleotide variant.
Coding change: c.2T>G on transcript NM_024537.4 (MANE Select); coding-DNA position 2, T replaced by G.
Protein change: p.Met1Arg; changes the start codon (methionine 1).
Molecular consequence: missense variant, initiator codon variant. On other transcripts: non-coding transcript variant (1), intron variant (1).
Genome position (GRCh38, 1-based): chr13:110,706,092, A>C on the plus strand (T>G on the coding strand, the complement: CARS2 is on the minus strand). VCF-style: chr13-110706092-A-C. GRCh37 (hg19) VCF-style: chr13-111358439-A-C.
Other names: c.2T>G, p.Met1Arg (NM_001352253.3); c.-776+279T>G (NM_001352252.2); short protein forms M1R.
Identifiers: ClinVar variation 854861 (VCV000854861.11), dbSNP rs774110184, ClinGen allele CA388743599.